The following is an entry in ClinVar:

NC_000014.8:g.(?_23242819)_(23249280_?)del

Gene: SLC7A7 (solute carrier family 7 member 7; minus strand). Cytogenetic location: 14q11.2.
Variant type: Deletion.
Identifiers: ClinVar variation 3243961 (VCV003243961.1).

ClinVar aggregate classification (germline): Pathogenic (1 of 4 stars; one submission).

Conditions:
Lysinuric protein intolerance (LPI). Identifiers: Orphanet 470, MedGen C0268647, MONDO:0009109, OMIM 222700.

Submission:

Labcorp Genetics (formerly Invitae), Labcorp
Classification: Pathogenic for Lysinuric protein intolerance. Last evaluated: 2024-01-24. Review status: criteria provided, single submitter. Criteria: Invitae Variant Classification Sherloc (09022015). Collection method: clinical testing. Allele origin: unknown.
Comment: This variant is a gross deletion of the genomic region encompassing exon(s) 4-11 of the SLC7A7 gene, which includes the termination codon. This deletion extends beyond the assayed region for this gene and therefore may encompass additional genes. While this deletion is not anticipated to lead to nonsense mediated decay, it is expected to alter mRNA translation or result in a truncated protein product. A similar copy number variant has been observed in individual(s) with lysinuric protein intolerance (PMID: 18716612). This variant is also known as c.500-4294_1908+1028del12136 (p.L168_N511delfsX19). This variant disrupts a region of the SLC7A7 protein in which other variant(s) (p.Cys487Leufs*32) have been determined to be pathogenic (PMID: 10655553, 18716612; Invitae). This suggests that this is a clinically significant region of the protein, and that variants that disrupt it are likely to be disease-causing. For these reasons, this variant has been classified as Pathogenic.

Literature cited by the submitters: PubMed 18716612; PubMed 10655553.